The following is an entry in ClinVar:

ClinVar aggregate classification (germline): Benign. Review status: criteria provided, multiple submitters, no conflicts (2 of 4 stars). 3 submissions from 3 submitters: Benign (2). 1 of the submissions does not count toward it. Last evaluated 2018-04-04.

Conditions:
SPAG17-related disorder. Also called: SPAG17-related condition.

Allele frequency attached by ClinVar (database versions not stated): gnomAD exomes 0.00030 and 0.00091; ExAC 0.00115; TOPMed 0.00379; ESP Exome Variant Server 0.00400; 1000 Genomes Project 0.00399; gnomAD 0.00326 and 0.00352; 1000 Genomes Project 30x 0.00437.
gnomAD v4.1: 977 of 1,607,554 alleles (0.061%); highest among the groups gnomAD compares: African/African-American, 1.2%; 4 homozygotes.

Submissions (3):

Labcorp Genetics (formerly Invitae), Labcorp
Classification: Benign. Last evaluated: 2018-04-04. Review status: criteria provided, single submitter. Criteria: Invitae Variant Classification Sherloc (09022015). Collection method: clinical testing. Allele origin: germline.

Breakthrough Genomics
Classification: Benign. Review status: criteria provided, single submitter. Criteria: ACMG Guidelines, 2015. Collection method: not provided. Allele origin: germline. Inheritance: Autosomal recessive inheritance. Affected: yes.

PreventionGenetics, part of Exact Sciences
Classification: Benign for SPAG17-related condition. Last evaluated: 2019-12-05. Review status: no assertion criteria provided. Collection method: clinical testing. Allele origin: germline. Not counted in ClinVar's aggregate classification.
Comment: This variant is classified as benign based on ACMG/AMP sequence variant interpretation guidelines (Richards et al. 2015 PMID: 25741868, with internal and published modifications).

NM_206996.4(SPAG17):c.4922+10T>C

Gene: SPAG17 (sperm associated antigen 17; minus strand). Cytogenetic location: 1p12.
Variant type: single nucleotide variant.
Coding change: c.4922+10T>C on transcript NM_206996.4 (MANE Select); 10 bases into the intron after coding-DNA position 4922, T replaced by C.
Molecular consequence: intron variant.
Genome position (GRCh38, 1-based): chr1:117,996,588, A>G on the plus strand (T>C on the coding strand, the complement: SPAG17 is on the minus strand). VCF-style: chr1-117996588-A-G. GRCh37 (hg19) VCF-style: chr1-118539211-A-G.
Identifiers: ClinVar variation 782387 (VCV000782387.6), dbSNP rs143296652, ClinGen allele CA1033290.
Genomic context (GRCh38, chr1:117,996,588, plus strand): 5'-CTTCAAGTATTCCGTTAAAATTCTCCTTGAACTCAGAATTAAAAGTAAAATTATAGTATT[A>G]TTCTTTTACCTGGGGACATGTTCACCATAGATTTGCTGATGATTCTTTTCAAGGTGCATA-3'